The following is an entry in ClinVar:

NM_014975.3(MAST1):c.2333C>T (p.Ala778Val)

Genes: MAST1 (microtubule associated serine/threonine kinase 1; plus strand), LOC112543452 (Sharpr-MPRA regulatory region 6054; plus strand). Cytogenetic location: 19p13.13.
Variant type: single nucleotide variant.
Coding change: c.2333C>T on transcript NM_014975.3 (MANE Select); coding-DNA position 2333, C replaced by T.
Protein change: p.Ala778Val; replaces alanine 778 with valine.
Molecular consequence: missense variant.
Genome position (GRCh38, 1-based): chr19:12,867,744, C>T. VCF-style: chr19-12867744-C-T. GRCh37 (hg19) VCF-style: chr19-12978558-C-T.
Other names: c.2333C>T (NM_014975.2); short protein forms A778V.
Identifiers: ClinVar variation 2172428 (VCV002172428.5), dbSNP rs893142404, ClinGen allele CA305494911.

ClinVar aggregate classification (germline): Uncertain significance. Review status: criteria provided, multiple submitters, no conflicts (2 of 4 stars). 2 submissions from 2 submitters: Uncertain significance (2). Last evaluated 2025-06-25.

Conditions:
Inborn genetic diseases. Identifiers: MedGen C0950123, MeSH D030342.

Allele frequency attached by ClinVar (database versions not stated): gnomAD exomes 0.00001; gnomAD 0.00002; TOPMed 0.00002.
gnomAD v4.1: 17 of 1,532,066 alleles (0.0011%); highest among the groups gnomAD compares: Non-Finnish European, 0.0012%; no homozygotes.

Submissions (2):

Ambry Genetics
Classification: Uncertain significance for Inborn genetic diseases. Last evaluated: 2025-06-25. Review status: criteria provided, single submitter. Criteria: Ambry Variant Classification Scheme 2023. Collection method: clinical testing. Allele origin: germline.

Labcorp Genetics (formerly Invitae), Labcorp
Classification: Uncertain significance. Last evaluated: 2022-03-28. Review status: criteria provided, single submitter. Criteria: Invitae Variant Classification Sherloc (09022015). Collection method: clinical testing. Allele origin: germline.
Comment: In summary, the available evidence is currently insufficient to determine the role of this variant in disease. Therefore, it has been classified as a Variant of Uncertain Significance. Algorithms developed to predict the effect of missense changes on protein structure and function (SIFT, PolyPhen-2, Align-GVGD) all suggest that this variant is likely to be tolerated. This variant has not been reported in the literature in individuals affected with MAST1-related conditions. The frequency data for this variant in the population databases is considered unreliable, as metrics indicate poor data quality at this position in the gnomAD database. This sequence change replaces alanine, which is neutral and non-polar, with valine, which is neutral and non-polar, at codon 778 of the MAST1 protein (p.Ala778Val).